The following is an entry in ClinVar:

NM_001267550.2(TTN):c.17228G>A (p.Arg5743Gln)

Genes: TTN (titin; minus strand), LOC126806431 (CDK7 strongly-dependent group 2 enhancer GRCh37_chr2:179595719-179596918; plus strand). Cytogenetic location: 2q31.2.
Variant type: single nucleotide variant.
Coding change: c.17228G>A on transcript NM_001267550.2 (MANE Select); coding-DNA position 17228, G replaced by A.
Protein change: p.Arg5743Gln; replaces arginine 5743 with glutamine.
Molecular consequence: missense variant. On other transcripts: intron variant (3).
Genome position (GRCh38, 1-based): chr2:178,731,538, C>T on the plus strand (G>A on the coding strand, the complement: TTN is on the minus strand). VCF-style: chr2-178731538-C-T. GRCh37 (hg19) VCF-style: chr2-179596265-C-T.
Other names: c.16277G>A, p.Arg5426Gln (NM_001256850.1); c.13496G>A, p.Arg4499Gln (NM_133378.4); c.13282+6544G>A (NM_003319.4); c.13858+6544G>A (NM_133437.4); c.13657+6544G>A (NM_133432.3); short protein forms R5743Q, R4499Q, R5426Q.
Identifiers: ClinVar variation 413065 (VCV000413065.22), dbSNP rs753892271, ClinGen allele CA2001876.

ClinVar aggregate classification (germline): Conflicting classifications of pathogenicity. Review status: criteria provided, conflicting classifications (1 of 4 stars). 4 submissions from 4 submitters: Uncertain significance (1); Likely benign (2). 1 of the submissions does not count toward it. Last evaluated 2026-01-28.

Conditions:
TTN-related disorder. Also called: TTN-related condition; TTN-related disease; TTN-related disorders.
Autosomal recessive limb-girdle muscular dystrophy type 2J (LGMDR10). Also called: Limb-girdle muscular dystrophy, type 2J; MUSCULAR DYSTROPHY, LIMB-GIRDLE, AUTOSOMAL RECESSIVE 10. Identifiers: Orphanet 140922, MedGen C1837342, MONDO:0012127, OMIM 608807.
Dilated cardiomyopathy 1G (CMD1G). Identifiers: Orphanet 154, MedGen C1858763, MONDO:0011400, OMIM 604145.

Allele frequency attached by ClinVar (database versions not stated): gnomAD 0.00003; TOPMed 0.00008.
gnomAD v4.1: 118 of 1,612,486 alleles (0.0073%); highest among the groups gnomAD compares: Admixed American, 0.15%; no homozygotes.

Submissions (4):

Labcorp Genetics (formerly Invitae), Labcorp
Classification: Likely benign for Dilated cardiomyopathy 1G; Autosomal recessive limb-girdle muscular dystrophy type 2J. Last evaluated: 2026-01-28. Review status: criteria provided, single submitter. Criteria: Invitae Variant Classification Sherloc (09022015). Collection method: clinical testing. Allele origin: germline.

GeneDx
Classification: Likely benign. Last evaluated: 2020-03-05. Review status: criteria provided, single submitter. Criteria: GeneDx Variant Classification Process June 2021. Collection method: clinical testing. Allele origin: germline. Affected: yes.

Eurofins Ntd Llc (ga)
Classification: Uncertain significance. Last evaluated: 2018-01-12. Review status: criteria provided, single submitter. Criteria: EGL Classification Definitions 2015. Collection method: clinical testing. Allele origin: germline. Observed: 2 variant alleles, 2 heterozygotes.

PreventionGenetics, part of Exact Sciences
Classification: Likely benign for TTN-related condition. Last evaluated: 2023-02-14. Review status: no assertion criteria provided. Collection method: clinical testing. Allele origin: germline. Not counted in ClinVar's aggregate classification.
Comment: This variant is classified as likely benign based on ACMG/AMP sequence variant interpretation guidelines (Richards et al. 2015 PMID: 25741868, with internal and published modifications).